The following is an entry in ClinVar:

ClinVar aggregate classification (germline): Uncertain significance (1 of 4 stars; one submission).

Submission:

GeneDx
Classification: Uncertain significance. Last evaluated: 2025-05-11. Review status: criteria provided, single submitter. Criteria: GeneDx Variant Classification Process June 2021. Collection method: clinical testing. Allele origin: germline. Affected: yes.
Comment: Not observed at significant frequency in large population cohorts (gnomAD); In silico analysis supports that this missense variant has a deleterious effect on protein structure/function; Has not been previously published as pathogenic or benign to our knowledge

NM_001321075.3(DLG4):c.1468A>G (p.Ser490Gly)

Gene: DLG4 (discs large MAGUK scaffold protein 4; minus strand). Cytogenetic location: 17p13.1.
Variant type: single nucleotide variant.
Coding change: c.1468A>G on transcript NM_001321075.3 (MANE Select); coding-DNA position 1468, A replaced by G.
Protein change: p.Ser490Gly; replaces serine 490 with glycine.
Molecular consequence: missense variant. On other transcripts: non-coding transcript variant (1).
Genome position (GRCh38, 1-based): chr17:7,194,329, T>C on the plus strand (A>G on the coding strand, the complement: DLG4 is on the minus strand). VCF-style: chr17-7194329-T-C. GRCh37 (hg19) VCF-style: chr17-7097648-T-C.
Other names: c.1459A>G, p.Ser487Gly (NM_001128827.4); c.1588A>G, p.Ser530Gly (NM_001321074.1); c.1288A>G, p.Ser430Gly (NM_001321076.3, NM_001321077.3); c.1597A>G, p.Ser533Gly (NM_001365.5); c.1387A>G, p.Ser463Gly (NM_001369566.3); short protein forms S430G, S463G, S487G, S490G, S530G, S533G.
Identifiers: ClinVar variation 4529801 (VCV004529801.1).